The following is an entry in ClinVar:

NM_001164508.2(NEB):c.11873T>C (p.Ile3958Thr)

Gene: NEB (nebulin; minus strand). Cytogenetic location: 2q23.3.
Variant type: single nucleotide variant.
Coding change: c.11873T>C on transcript NM_001164508.2 (MANE Select); coding-DNA position 11873, T replaced by C.
Protein change: p.Ile3958Thr; replaces isoleucine 3958 with threonine.
Molecular consequence: missense variant.
Genome position (GRCh38, 1-based): chr2:151,610,799, A>G on the plus strand (T>C on the coding strand, the complement: NEB is on the minus strand). VCF-style: chr2-151610799-A-G. GRCh37 (hg19) VCF-style: chr2-152467313-A-G.
Other names: c.11873T>C, p.Ile3958Thr (NM_001164507.2, NM_001271208.2); c.11144T>C, p.Ile3715Thr (NM_004543.5); short protein forms I3958T, I3715T.
Identifiers: ClinVar variation 2128923 (VCV002128923.1), dbSNP rs2552228106, ClinGen allele CA348779609.

ClinVar aggregate classification (germline): Uncertain significance (1 of 4 stars; one submission).

Conditions:
Nemaline myopathy 2 (NEM2). Also called: Nemaline myopathy 2, autosomal recessive. Identifiers: MedGen C1850569, MONDO:0009725, OMIM 256030.

Submission:

Labcorp Genetics (formerly Invitae), Labcorp
Classification: Uncertain significance for Nemaline myopathy 2. Last evaluated: 2022-04-21. Review status: criteria provided, single submitter. Criteria: Invitae Variant Classification Sherloc (09022015). Collection method: clinical testing. Allele origin: germline.
Comment: This sequence change replaces isoleucine, which is neutral and non-polar, with threonine, which is neutral and polar, at codon 3958 of the NEB protein (p.Ile3958Thr). This variant is not present in population databases (gnomAD no frequency). This variant has not been reported in the literature in individuals affected with NEB-related conditions. Algorithms developed to predict the effect of missense changes on protein structure and function are either unavailable or do not agree on the potential impact of this missense change (SIFT: "Deleterious"; PolyPhen-2: "Not Available"; Align-GVGD: "Class C0"). In summary, the available evidence is currently insufficient to determine the role of this variant in disease. Therefore, it has been classified as a Variant of Uncertain Significance.